The following is an entry in ClinVar:

ClinVar aggregate classification (germline): Likely pathogenic (1 of 4 stars; one submission).

Conditions:
Microcephaly 3, primary, autosomal recessive. Identifiers: Orphanet 2512, MedGen C1858108, MONDO:0011488, OMIM 604804.

Allele frequency attached by ClinVar (database versions not stated): gnomAD exomes below 0.00001.
gnomAD v4.1: 3 of 1,558,210 alleles (0.00019%); highest among the groups gnomAD compares: Admixed American, 0.0033%; no homozygotes.

Submission:

Women's Health and Genetics/Laboratory Corporation of America, LabCorp
Classification: Likely pathogenic for Microcephaly 3, primary, autosomal recessive. Last evaluated: 2022-08-12. Review status: criteria provided, single submitter. Criteria: LabCorp Variant Classification Summary - May 2015. Collection method: clinical testing. Allele origin: germline.
Comment: Variant summary: CDK5RAP2 c.4414+1G>A is located in a canonical splice-site and is predicted to affect mRNA splicing resulting in a significantly altered protein due to either exon skipping, shortening, or inclusion of intronic material. Several computational tools predict a significant impact on normal splicing: Four predict the variant abolishes the canonical 5' splicing donor site. However, these predictions have yet to be confirmed by functional studies. Loss of function variants are associated with Microcephaly in HGMD. The variant allele was found at a frequency of 8e-06 in 251468 control chromosomes (gnomAD). To our knowledge, no occurrence of c.4414+1G>A in individuals affected with Primary Autosomal Recessive Microcephaly 3 and no experimental evidence demonstrating its impact on protein function have been reported. No clinical diagnostic laboratories have submitted clinical-significance assessments for this variant to ClinVar after 2014. Based on the evidence outlined above, the variant was classified as likely pathogenic.

NM_018249.6(CDK5RAP2):c.4414+1G>A

Gene: CDK5RAP2 (CDK5 regulatory subunit associated protein 2; minus strand). Cytogenetic location: 9q33.2.
Variant type: single nucleotide variant.
Coding change: c.4414+1G>A on transcript NM_018249.6 (MANE Select); the canonical splice donor site of the intron after coding-DNA position 4414, G replaced by A.
Molecular consequence: splice donor variant.
Genome position (GRCh38, 1-based): chr9:120,411,357, C>T on the plus strand (G>A on the coding strand, the complement: CDK5RAP2 is on the minus strand). VCF-style: chr9-120411357-C-T. GRCh37 (hg19) VCF-style: chr9-123173635-C-T.
Other names: c.3724+1G>A (NM_001272039.2); c.4315+1G>A (NM_001410992.1); c.4411+1G>A (NM_001410994.1); c.4318+1G>A (NM_001410993.1); c.4414+1G>A (NM_001011649.3).
Identifiers: ClinVar variation 1705090 (VCV001705090.1), dbSNP rs1238054226, ClinGen allele CA374716392.